The following is an entry in ClinVar:

ClinVar aggregate classification (germline): Benign. Review status: criteria provided, multiple submitters, no conflicts (2 of 4 stars). 8 submissions from 6 submitters: Benign (8). Last evaluated 2026-02-04.

Conditions:
Amelogenesis imperfecta type 1A. Also called: Amelogenesis imperfecta local hypoplastic; Amelogenesis imperfecta, hypoplastic type; Amelogenesis imperfecta, type IA; AMELOGENESIS IMPERFECTA, HYPOPLASTIC TYPE IA. Identifiers: Orphanet 88661, MedGen C4011403, MONDO:0007094, OMIM 104530.
Junctional epidermolysis bullosa. Identifiers: Orphanet 305, MedGen C0079301, MONDO:0017612.
Junctional epidermolysis bullosa, non-Herlitz type. Also called: Adult junctional epidermolysis bullosa; COL17A1-Related Junctional Epidermolysis Bullosa; Epidermolysis bullosa, junctional, non-herlitz type, somatic mosaic revertant; EPIDERMOLYSIS BULLOSA JUNCTIONALIS, DISENTIS TYPE; EPIDERMOLYSIS BULLOSA JUNCTIONALIS, NON-HERLITZ TYPE; EPIDERMOLYSIS BULLOSA JUNCTIONALIS, PROGRESSIVE. Identifiers: Orphanet 251393, Orphanet 79402, Orphanet 79405, Orphanet 89840, MedGen C0268374, MONDO:0009180, OMIM 226650.
Junctional epidermolysis bullosa gravis of Herlitz. Also called: Epidermolysis Bullosa Letalis; EPIDERMOLYSIS BULLOSA JUNCTIONALIS, HERLITZ TYPE; EPIDERMOLYSIS BULLOSA, JUNCTIONAL, HERLITZ-PEARSON TYPE; JEB-HERLITZ TYPE; EPIDERMOLYSIS BULLOSA, JUNCTIONAL 1B, SEVERE; Herlitz-type junctional epidermolysis bullosa. Identifiers: Orphanet 79404, MedGen C0079683, MONDO:0009182, OMIM 226700.

Allele frequency attached by ClinVar (database versions not stated): ESP Exome Variant Server 0.01768; gnomAD 0.02691 and 0.03262; TOPMed 0.03570; gnomAD exomes 0.03741 and 0.05930; ExAC 0.05581; 1000 Genomes Project 30x 0.08370; 1000 Genomes Project 0.08906.
gnomAD v4.1: 60,211 of 1,614,230 alleles (3.7%); highest among the groups gnomAD compares: East Asian, 26%; 2,972 homozygotes.

Submissions (8):

Labcorp Genetics (formerly Invitae), Labcorp
Classification: Benign. Last evaluated: 2026-02-04. Review status: criteria provided, single submitter. Criteria: Invitae Variant Classification Sherloc (09022015). Collection method: clinical testing. Allele origin: germline.

Genome-Nilou Lab
Classification: Benign for Amelogenesis imperfecta type 1A. Last evaluated: 2021-07-08. Review status: criteria provided, single submitter. Criteria: ACMG Guidelines, 2015. Collection method: clinical testing. Allele origin: germline. Affected: no.

Genome-Nilou Lab
Classification: Benign for Junctional epidermolysis bullosa gravis of Herlitz. Last evaluated: 2021-07-08. Review status: criteria provided, single submitter. Criteria: ACMG Guidelines, 2015. Collection method: clinical testing. Allele origin: germline. Affected: no.

Genome-Nilou Lab
Classification: Benign for Junctional epidermolysis bullosa, non-Herlitz type. Last evaluated: 2021-07-08. Review status: criteria provided, single submitter. Criteria: ACMG Guidelines, 2015. Collection method: clinical testing. Allele origin: germline. Affected: no.

Illumina Laboratory Services, Illumina
Classification: Benign for Junctional epidermolysis bullosa. Last evaluated: 2018-01-13. Review status: criteria provided, single submitter. Criteria: ICSL Variant Classification Criteria 13 December 2019. Collection method: clinical testing. Allele origin: germline.
Comment: This variant was observed in the ICSL laboratory as part of a predisposition screen in an ostensibly healthy population. It had not been previously curated by ICSL or reported in the Human Gene Mutation Database (HGMD: prior to June 1st, 2018), and was therefore a candidate for classification through an automated scoring system. Utilizing variant allele frequency, disease prevalence and penetrance estimates, and inheritance mode, an automated score was calculated to assess if this variant is too frequent to cause the disease. Based on the score and internal cut-off values, a variant classified as benign is not then subjected to further curation. The score for this variant resulted in a classification of benign for this disease.

PreventionGenetics, part of Exact Sciences
Classification: Benign. Last evaluated: 2016-04-15. Review status: criteria provided, single submitter. Criteria: ACMG Guidelines, 2015. Collection method: clinical testing. Allele origin: germline.

GeneDx
Classification: Benign. Last evaluated: 2016-02-08. Review status: criteria provided, single submitter. Criteria: GeneDx Variant Classification (06012015). Collection method: clinical testing. Allele origin: germline. Affected: yes.
Comment: This variant is considered likely benign or benign based on one or more of the following criteria: it is a conservative change, it occurs at a poorly conserved position in the protein, it is predicted to be benign by multiple in silico algorithms, and/or has population frequency not consistent with disease.

Breakthrough Genomics
Classification: Benign. Review status: criteria provided, single submitter. Criteria: ACMG Guidelines, 2015. Collection method: not provided. Allele origin: germline. Inheritance: Autosomal recessive inheritance. Affected: yes.

NM_000228.3(LAMB3):c.2777C>A (p.Ala926Asp)

Gene: LAMB3 (laminin subunit beta 3; minus strand). Cytogenetic location: 1q32.2.
Variant type: single nucleotide variant.
Coding change: c.2777C>A on transcript NM_000228.3 (MANE Select); coding-DNA position 2777, C replaced by A.
Protein change: p.Ala926Asp; replaces alanine 926 with aspartic acid.
Molecular consequence: missense variant.
Genome position (GRCh38, 1-based): chr1:209,618,584, G>T on the plus strand (C>A on the coding strand, the complement: LAMB3 is on the minus strand). VCF-style: chr1-209618584-G-T. GRCh37 (hg19) VCF-style: chr1-209791929-G-T.
Other names: c.2777C>A, p.Ala926Asp (NM_001017402.2, NM_001127641.1); short protein forms A926D.
Identifiers: ClinVar variation 255591 (VCV000255591.18), dbSNP rs2076222, ClinGen allele CA1375097.
Genomic context (GRCh38, chr1:209,618,584, plus strand): 5'-TCCACGTTGGGGAGCCTGGCTGCAATGGCCTGGATCTCATTCATCTTCTGCAGAACAGTA[G>T]CTGAGTCTGTGGGCAGCCACAGGGCCAGCACGGCCTCGCTGACCTCCTGGATAGTGGCTG-3'
Protein context (NP_000219.2, residues 916-936): VLALWLPTDS[Ala926Asp]TVLQKMNEIQ